The following is an entry in ClinVar:

NM_001042492.3(NF1):c.6018_6020del (p.Leu2007del)

Gene: NF1 (neurofibromin 1; plus strand). Cytogenetic location: 17q11.2.
Variant type: Deletion.
Coding change: c.6018_6020del on transcript NM_001042492.3 (MANE Select); coding-DNA positions 6018 to 6020, 3 bases deleted (GCT; older notation c.6018_6020delGCT).
Protein change: p.Leu2007del; deletes leucine 2007.
Molecular consequence: inframe deletion. On other transcripts: inframe indel (1).
Genome position (GRCh38, 1-based): chr17:31,336,344-31,336,346, GCT deleted; deleting any 3 consecutive bases within chr17:31,336,342-31,336,346 gives the same sequence; the c. name uses the placement nearest the transcript's 3' end. VCF-style (leftmost placement, unchanged base first): chr17-31336341-TCTG-T. GRCh37 (hg19) VCF-style: chr17-29663359-TCTG-T.
Other names: c.5955_5957delGCT, p.Leu1986del (NM_000267.4); short protein forms L1986del, L2007del.
Identifiers: ClinVar variation 1412953 (VCV001412953.8), dbSNP rs2151553179, ClinGen allele CA2573153812.

ClinVar aggregate classification (germline): Uncertain significance (1 of 4 stars; one submission).

Conditions:
Neurofibromatosis, type 1 (NF1). Also called: Peripheral type neurofibromatosis; Neurofibromatosis, type I; VON RECKLINGHAUSEN DISEASE; NEUROFIBROMATOSIS, TYPE I, SOMATIC. Identifiers: Orphanet 636, MedGen C0027831, MONDO:0018975, OMIM 162200. Disease mechanism: loss of function.

Submission:

Labcorp Genetics (formerly Invitae), Labcorp
Classification: Uncertain significance for Neurofibromatosis, type 1. Last evaluated: 2021-03-07. Review status: criteria provided, single submitter. Criteria: Invitae Variant Classification Sherloc (09022015). Collection method: clinical testing. Allele origin: germline.
Comment: This variant has not been reported in the literature in individuals with NF1-related conditions. This variant, c.5955_5957del, results in the deletion of 1 amino acid(s) of the NF1 protein (p.Leu1986del), but otherwise preserves the integrity of the reading frame. This variant is not present in population databases (ExAC no frequency). Experimental studies and prediction algorithms are not available or were not evaluated, and the functional significance of this variant is currently unknown. In summary, the available evidence is currently insufficient to determine the role of this variant in disease. Therefore, it has been classified as a Variant of Uncertain Significance.